The following is an entry in ClinVar:

NM_018406.7(MUC4):c.8229C>G (p.Ser2743=)

Gene: MUC4 (mucin 4, cell surface associated). Cytogenetic location: 3q29.
Variant type: single nucleotide variant.
Coding change: c.8229C>G on transcript NM_018406.7 (MANE Select); coding-DNA position 8229, C replaced by G.
Protein change: p.Ser2743=; no amino-acid change (serine 2743 retained).
Molecular consequence: synonymous variant. On other transcripts: intron variant (2).
Genome position (GRCh38, 1-based): chr3:195,783,351, G>C on the plus strand (C>G on the coding strand, the complement: MUC4 is on the minus strand). VCF-style: chr3-195783351-G-C. GRCh37 (hg19) VCF-style: chr3-195510222-G-C.
Other names: c.83-9046C>G (NM_138297.5); c.83-4896C>G (NM_004532.6).
Identifiers: ClinVar variation 4872248 (VCV004872248.2).
Genomic context (GRCh38, chr3:195,783,351, plus strand): 5'-TGTGGATGCTGAGGAAGTGTCGGTGACAGGAAGAGGGGTGGTGTCACCTGTGGATACTGA[G>C]GAAGTCTCGGTGACAAGAAGAGGGGTGGTGTCACCTGTGGATGATGAGGAAGTGTCGGTG-3'
Protein context (NP_060876.5, residues 2733-2753): DTTPLLVTET[Ser2743=]SVSTGDTTPL

ClinVar aggregate classification (germline): Likely benign (1 of 4 stars; one submission).

Submission:

CeGaT Center for Human Genetics Tuebingen
Classification: Likely benign. Last evaluated: 2026-04-01. Review status: criteria provided, single submitter. Criteria: CeGaT Center For Human Genetics Tuebingen Variant Classification Criteria Version 2. Collection method: clinical testing. Allele origin: germline. Affected: yes. Observed: 1 variant allele.
Comment: MUC4: BP4, BP7